The following is an entry in ClinVar:

ClinVar aggregate classification (germline): Benign/Likely benign. Review status: criteria provided, multiple submitters, no conflicts (2 of 4 stars). 5 submissions from 5 submitters: Benign (2); Likely benign (2). 1 of the submissions does not count toward it. Last evaluated 2024-11-04.

Conditions:
DLG3-related disorder. Also called: DLG3-related condition.
Inborn genetic diseases. Identifiers: MedGen C0950123, MeSH D030342.

Allele frequency attached by ClinVar (database versions not stated): ESP Exome Variant Server 0.00076; ExAC 0.00101; gnomAD exomes 0.00109 and 0.00160; gnomAD 0.00124 and 0.00125; 1000 Genomes Project 30x 0.00146; 1000 Genomes Project 0.00159; TOPMed 0.00215.
gnomAD v4.1: 1,893 of 1,209,644 alleles (0.16%); highest among the groups gnomAD compares: Admixed American, 0.29%; 2 homozygotes.

Submissions (5):

Blueprint Genetics
Classification: Likely benign. Last evaluated: 2024-11-04. Review status: criteria provided, single submitter. Criteria: ACMG Guidelines, 2015. Collection method: clinical testing. Allele origin: germline.

Labcorp Genetics (formerly Invitae), Labcorp
Classification: Benign. Last evaluated: 2019-12-31. Review status: criteria provided, single submitter. Criteria: Invitae Variant Classification Sherloc (09022015). Collection method: clinical testing. Allele origin: germline.

Ambry Genetics
Classification: Benign for Inborn genetic diseases. Last evaluated: 2017-12-05. Review status: criteria provided, single submitter. Criteria: Ambry Variant Classification Scheme 2023. Collection method: clinical testing. Allele origin: germline.

Eurofins Ntd Llc (ga)
Classification: Likely benign. Last evaluated: 2015-02-24. Review status: criteria provided, single submitter. Criteria: EGL Classification Definitions 2015. Collection method: clinical testing. Allele origin: germline. Observed: 1 variant allele, 1 hemizygote.

PreventionGenetics, part of Exact Sciences
Classification: Likely benign for DLG3-related condition. Last evaluated: 2019-04-08. Review status: no assertion criteria provided. Collection method: clinical testing. Allele origin: germline. Not counted in ClinVar's aggregate classification.
Comment: This variant is classified as likely benign based on ACMG/AMP sequence variant interpretation guidelines (Richards et al. 2015 PMID: 25741868, with internal and published modifications).

NM_021120.4(DLG3):c.409-4G>T

Gene: DLG3 (discs large MAGUK scaffold protein 3; plus strand). Cytogenetic location: Xq13.1.
Variant type: single nucleotide variant.
Coding change: c.409-4G>T on transcript NM_021120.4 (MANE Select); 4 bases into the intron before coding-DNA position 409, G replaced by T.
Molecular consequence: intron variant.
Genome position (GRCh38, 1-based): chrX:70,449,355, G>T. VCF-style: chrX-70449355-G-T. GRCh37 (hg19) VCF-style: chrX-69669205-G-T.
Identifiers: ClinVar variation 196506 (VCV000196506.17), dbSNP rs188475429, ClinGen allele CA202413.
Genomic context (GRCh38, chrX:70,449,355, plus strand): 5'-TACCCAGAACTCTCCTTTGTGCCCTCAGAGTGAACAGACTGTGCCTTTCCACCCACTTCT[G>T]CAGGGCAACTCTGGCCTGGGCTTCAGTATCGCAGGTGGCATCGACAATCCCCATGTCCCT-3'